The following is an entry in ClinVar:

ClinVar aggregate classification (germline): Uncertain significance (1 of 4 stars; one submission).

Conditions:
Dilated cardiomyopathy 1DD (CMD1DD). Identifiers: Orphanet 154, MedGen C2750995, MONDO:0013168, OMIM 613172.

Submission:

Labcorp Genetics (formerly Invitae), Labcorp
Classification: Uncertain significance for Dilated cardiomyopathy 1DD. Last evaluated: 2022-03-17. Review status: criteria provided, single submitter. Criteria: Invitae Variant Classification Sherloc (09022015). Collection method: clinical testing. Allele origin: germline.
Comment: Advanced modeling of protein sequence and biophysical properties (such as structural, functional, and spatial information, amino acid conservation, physicochemical variation, residue mobility, and thermodynamic stability) performed at Invitae indicates that this missense variant is not expected to disrupt RBM20 protein function. In summary, the available evidence is currently insufficient to determine the role of this variant in disease. Therefore, it has been classified as a Variant of Uncertain Significance. This variant has not been reported in the literature in individuals affected with RBM20-related conditions. This variant is not present in population databases (gnomAD no frequency). This sequence change replaces valine, which is neutral and non-polar, with alanine, which is neutral and non-polar, at codon 997 of the RBM20 protein (p.Val997Ala).

NM_001134363.3(RBM20):c.2990T>C (p.Val997Ala)

Gene: RBM20 (RNA binding motif protein 20; plus strand). Cytogenetic location: 10q25.2.
Variant type: single nucleotide variant.
Coding change: c.2990T>C on transcript NM_001134363.3 (MANE Select); coding-DNA position 2990, T replaced by C.
Protein change: p.Val997Ala; replaces valine 997 with alanine.
Molecular consequence: missense variant.
Genome position (GRCh38, 1-based): chr10:110,821,609, T>C. VCF-style: chr10-110821609-T-C. GRCh37 (hg19) VCF-style: chr10-112581367-T-C.
Other names: short protein forms V997A.
Identifiers: ClinVar variation 2100754 (VCV002100754.4), dbSNP rs1183680841, ClinGen allele CA378378788.